The following is an entry in ClinVar:

NM_001035.3(RYR2):c.6073A>G (p.Ile2025Val)

Gene: RYR2 (ryanodine receptor 2; plus strand). Cytogenetic location: 1q43.
Variant type: single nucleotide variant.
Coding change: c.6073A>G on transcript NM_001035.3 (MANE Select); coding-DNA position 6073, A replaced by G.
Protein change: p.Ile2025Val; replaces isoleucine 2025 with valine.
Molecular consequence: missense variant.
Genome position (GRCh38, 1-based): chr1:237,625,711, A>G. VCF-style: chr1-237625711-A-G. GRCh37 (hg19) VCF-style: chr1-237789011-A-G.
Other names: short protein forms I2025V.
Identifiers: ClinVar variation 3385755 (VCV003385755.1).

ClinVar aggregate classification (germline): Uncertain significance (1 of 4 stars; one submission).

Conditions:
Catecholaminergic polymorphic ventricular tachycardia (CVPT). Also called: Catecholamine-induced polymorphic ventricular tachycardia. Identifiers: Orphanet 3286, MedGen C5574922, MONDO:0017990.

gnomAD v4.1: 2 of 1,613,798 alleles (0.00012%); highest among the groups gnomAD compares: Non-Finnish European, 0.000085%; no homozygotes.

Submission:

All of Us Research Program, National Institutes of Health
Classification: Uncertain significance for Catecholaminergic polymorphic ventricular tachycardia. Last evaluated: 2024-04-16. Review status: criteria provided, single submitter. Criteria: ACMG Guidelines, 2015. Collection method: clinical testing. Allele origin: germline. Inheritance: Autosomal dominant inheritance. Observed: 1 variant allele, 1 heterozygote.
Comment: This missense variant replaces isoleucine with valine at codon 2025 of the RYR2 protein. Computational prediction suggests that this variant may not impact protein structure and function (internally defined REVEL score threshold <= 0.5, PMID: 27666373). To our knowledge, functional studies have not been reported for this variant. This variant has not been reported in individuals affected with RYR2-related disorders in the literature. This variant has not been identified in the general population by the Genome Aggregation Database (gnomAD). The available evidence is insufficient to determine the role of this variant in disease conclusively. Therefore, this variant is classified as a Variant of Uncertain Significance.

This study involves interpretation of variants in research participants for the purpose of population health screening. Participant phenotype was not available at the time of variant classification. Additional details can be found in publication PMID: 35346344, PMCID: PMC8962531